The following is an entry in ClinVar:

ClinVar aggregate classification (germline): Likely pathogenic (0 of 4 stars; one submission).

Conditions:
SMS-related disorder. Also called: SMS-related condition.

Submission:

PreventionGenetics, part of Exact Sciences
Classification: Likely pathogenic for SMS-related condition. Last evaluated: 2024-02-02. Review status: no assertion criteria provided. Collection method: clinical testing. Allele origin: germline.
Comment: The SMS c.661-1C>T variant is predicted to interfere with splicing. To our knowledge, this variant has not been reported in the literature or in a large population database, indicating this variant is rare. However, variants that disrupt canonical splice sites in SMS are expected to be pathogenic (see for example, Cason et al. 2003. PubMed ID: 14508504; Table S3, Retterer. 2016. PubMed ID: 26633542). This variant is interpreted as likely pathogenic.

NM_004595.5(SMS):c.661-1C>T

Gene: SMS (spermine synthase; plus strand). Cytogenetic location: Xp22.11.
Variant type: single nucleotide variant.
Coding change: c.661-1C>T on transcript NM_004595.5 (MANE Select); the canonical splice acceptor site of the intron before coding-DNA position 661, C replaced by T.
Molecular consequence: splice acceptor variant.
Genome position (GRCh38, 1-based): chrX:21,978,876, C>T. VCF-style: chrX-21978876-C-T. GRCh37 (hg19) VCF-style: chrX-21996994-C-T.
Other names: c.502-1C>T (NM_001258423.2).
Identifiers: ClinVar variation 3061643 (VCV003061643.2), dbSNP rs113689961, ClinGen allele CA412568957.
Genomic context (GRCh38, chrX:21,978,876, plus strand): 5'-TAAAGTATTACTATTTCAGAATTCTTTGATATACCCAAATTCTCCTTAACCTGTTGCGGA[C>T]ATTGACCAAATGGTGATTGATGGGTGTAAGAAATACATGCGAAAAACGTGTGGCGATGTC-3'